The following is an entry in ClinVar:

NM_000360.4(TH):c.1420del (p.Ala474fs)

Gene: TH (tyrosine hydroxylase; minus strand). Cytogenetic location: 11p15.5.
Variant type: Deletion.
Coding change: c.1420del on transcript NM_000360.4 (MANE Select); coding-DNA position 1420, one base deleted (G; older notation c.1420delG).
Protein change: p.Ala474fs; shifts the reading frame from alanine 474.
Molecular consequence: frameshift variant.
Genome position (GRCh38, 1-based): chr11:2,164,307, C deleted on the plus strand (G on the coding strand, the reverse complement: TH is on the minus strand); the first of 2 consecutive C bases (chr11:2,164,307-2,164,308); deleting either gives the same sequence. VCF-style (leftmost placement, unchanged base first): chr11-2164306-GC-G. GRCh37 (hg19) VCF-style: chr11-2185536-GC-G.
Other names: c.1513del, p.Ala505fs (NM_199292.3); c.1501del, p.Ala501fs (NM_199293.3); short protein forms A474fs, A501fs, A505fs.
Identifiers: ClinVar variation 2584914 (VCV002584914.1), dbSNP rs2495782383, ClinGen allele CA2582341855.

ClinVar aggregate classification (germline): Likely pathogenic (1 of 4 stars; one submission).

Conditions:
TH-deficient dopa-responsive dystonia. Also called: Tyrosine Hydroxylase-Deficient Dopa-Responsive Dystonia; Segawa syndrome, autosomal recessive; DYT-TH. Identifiers: Orphanet 101150, MedGen C2673535, MONDO:0011551, OMIM 605407.

Submission:

Neuberg Centre For Genomic Medicine, NCGM
Classification: Likely pathogenic for TH-deficient dopa-responsive dystonia. Review status: criteria provided, single submitter. Criteria: ACMG Guidelines, 2015. Collection method: clinical testing. Allele origin: germline. Inheritance: Autosomal recessive inheritance. Affected: yes.
Comment: The frameshift variant c.1420del (p.Ala474ProfsTer20) in TH gene has not been reported previously as a pathogenic variant nor as a benign variant, to our knowledge. This variant causes a frameshift starting with codon Alanine 474, changes this amino acid to Proline residue, and creates a premature Stop codon at position 20 of the new reading frame, denoted p.Ala474ProfsTer20. The p.Ala474ProfsTer20 variant is novel (not in any individuals) in gnomAD Exomes and 1000 Genomes. This variant is predicted to cause loss of normal protein function. Loss of function variants have been previously reported to be disease causing. For these reasons, this variant has been classified as Likely Pathogenic.